The following is an entry in ClinVar:

NM_000096.4(CP):c.938C>T (p.Thr313Ile)

Gene: CP (ceruloplasmin; minus strand). Cytogenetic location: 3q25.1.
Variant type: single nucleotide variant.
Coding change: c.938C>T on transcript NM_000096.4 (MANE Select); coding-DNA position 938, C replaced by T.
Protein change: p.Thr313Ile; replaces threonine 313 with isoleucine.
Molecular consequence: missense variant. On other transcripts: non-coding transcript variant (1).
Genome position (GRCh38, 1-based): chr3:149,207,461, G>A on the plus strand (C>T on the coding strand, the complement: CP is on the minus strand). VCF-style: chr3-149207461-G-A. GRCh37 (hg19) VCF-style: chr3-148925248-G-A.
Other names: p.Thr313Ile; short protein forms T313I.
Identifiers: ClinVar variation 343779 (VCV000343779.30), dbSNP rs144401501, ClinGen allele CA2661194.

ClinVar aggregate classification (germline): Conflicting classifications of pathogenicity. Review status: criteria provided, conflicting classifications (1 of 4 stars). 10 submissions from 10 submitters: Uncertain significance (7); Likely benign (2). 1 of the submissions does not count toward it. Last evaluated 2026-08-06.

Conditions:
Deficiency of ferroxidase (ACEP). Also called: Aceruloplasminemia; Deficiency of ceruloplasmin; NEURODEGENERATION WITH BRAIN IRON ACCUMULATION 10; Ceruloplasmin deficiency; Familial apoceruloplasmin deficiency; Hereditary ceruloplasmin deficiency. Identifiers: Orphanet 48818, MedGen C0878682, MONDO:0011426, OMIM 604290, HP:0025498.
CP-related disorder. Also called: CP-related condition.
Inborn genetic diseases. Identifiers: MedGen C0950123, MeSH D030342.

Allele frequency attached by ClinVar (database versions not stated): TOPMed 0.00031; gnomAD 0.00034 and 0.00037; gnomAD exomes 0.00037; ExAC 0.00051; ESP Exome Variant Server 0.00077.
gnomAD v4.1: 942 of 1,613,872 alleles (0.058%); highest among the groups gnomAD compares: Non-Finnish European, 0.074%; 1 homozygote.

Submissions (10):

OLLIN Analises Genomicas, OLLIN
Classification: Uncertain significance. Last evaluated: 2026-08-06. Review status: criteria provided, single submitter. Criteria: ACMG Guidelines 2015 PMID 25741868. Collection method: clinical testing. Allele origin: germline.
Comment: This missense variant, located in exon 5 (of 19), has been reported in ClinVar (accession VCV000343779.26) and in gnomAD with an allele frequency of 0.058%. However, to our knowledge, it has not been reported in the scientific literature. In silico analysis is inconclusive regarding the impact of this variant. According to the currently available evidence, this variant has been classified as uncertain significance (PM2_P).

Labcorp Genetics (formerly Invitae), Labcorp
Classification: Likely benign for Deficiency of ferroxidase. Last evaluated: 2026-01-25. Review status: criteria provided, single submitter. Criteria: Invitae Variant Classification Sherloc (09022015). Collection method: clinical testing. Allele origin: germline.

CeGaT Center for Human Genetics Tuebingen
Classification: Likely benign. Last evaluated: 2025-08-01. Review status: criteria provided, single submitter. Criteria: CeGaT Center For Human Genetics Tuebingen Variant Classification Criteria Version 2. Collection method: clinical testing. Allele origin: germline. Affected: yes. Observed: 2 variant alleles.
Comment: CP: BS1

GeneDx
Classification: Uncertain significance. Last evaluated: 2025-07-11. Review status: criteria provided, single submitter. Criteria: GeneDx Variant Classification Process June 2021. Collection method: clinical testing. Allele origin: germline.
Comment: In silico analysis suggests that this missense variant does not alter protein structure/function; Has not been previously published as pathogenic or benign to our knowledge

Mayo Clinic Laboratories, Mayo Clinic
Classification: Uncertain significance. Last evaluated: 2025-02-27. Review status: criteria provided, single submitter. Criteria: ACMG Guidelines, 2015. Collection method: clinical testing. Allele origin: germline. Observed: 4 variant alleles.

Blueprint Genetics
Classification: Uncertain significance. Last evaluated: 2024-10-22. Review status: criteria provided, single submitter. Criteria: ACMG Guidelines, 2015. Collection method: clinical testing. Allele origin: germline.

Ambry Genetics
Classification: Uncertain significance for Inborn genetic diseases. Last evaluated: 2024-06-22. Review status: criteria provided, single submitter. Criteria: Ambry Variant Classification Scheme 2023. Collection method: clinical testing. Allele origin: germline.

Illumina Laboratory Services, Illumina
Classification: Uncertain significance for Deficiency of ferroxidase. Last evaluated: 2018-01-13. Review status: criteria provided, single submitter. Criteria: ICSL Variant Classification Criteria 13 December 2019. Collection method: clinical testing. Allele origin: germline.

Breakthrough Genomics
Classification: Uncertain significance. Review status: criteria provided, single submitter. Criteria: ACMG Guidelines, 2015. Collection method: not provided. Allele origin: germline. Inheritance: Autosomal recessive inheritance. Affected: yes.

PreventionGenetics, part of Exact Sciences
Classification: Uncertain significance for CP-related condition. Last evaluated: 2024-06-05. Review status: no assertion criteria provided. Collection method: clinical testing. Allele origin: germline. Not counted in ClinVar's aggregate classification.
Comment: The CP c.938C>T variant is predicted to result in the amino acid substitution p.Thr313Ile. To our knowledge, this variant has not been reported in the literature. This variant is reported in 0.079% of alleles in individuals of European (Non-Finnish) descent in gnomAD. Although we suspect that this variant may be benign, at this time, the clinical significance of this variant is uncertain due to the absence of conclusive functional and genetic evidence.